The following is an entry in ClinVar:

ClinVar aggregate classification (germline): Uncertain significance (1 of 4 stars; one submission).

Conditions:
Polycystic kidney disease, adult type (PKD1). Also called: Polycystic Kidney Disease 1, Autosomal Dominant; Polycystic kidney disease 1; Polycystic kidney disease 1, severe; Polycystic Kidney, Autosomal Dominant; POLYCYSTIC KIDNEY DISEASE 1 WITH OR WITHOUT POLYCYSTIC LIVER DISEASE; POLYCYSTIC KIDNEY DISEASE, ADULT, TYPE I. Identifiers: MedGen C3149841, MONDO:0008263, OMIM 173900.

gnomAD v4.1: 13 of 1,612,662 alleles (0.00081%); highest among the groups gnomAD compares: Non-Finnish European, 0.0011%; no homozygotes.

Submission:

MVZ Medizinische Genetik Mainz
Classification: Uncertain significance for Polycystic kidney disease, adult type. Last evaluated: 2025-05-14. Review status: criteria provided, single submitter. Criteria: UK Practice Guidelines For Variant Classification V4 01 2020. Collection method: clinical testing. Allele origin: germline. Inheritance: Autosomal dominant inheritance. Affected: yes. Observed: 1 variant allele.
Comment: ACMG Criteria: PM2_SUP,PP3,PP4

NM_001009944.3(PKD1):c.11043G>T (p.Leu3681=)

Genes: PKD1 (polycystin 1, transient receptor potential channel interacting; minus strand), PKD1-AS1 (PKD1 antisense RNA 1; plus strand). Cytogenetic location: 16p13.3.
Variant type: single nucleotide variant.
Coding change: c.11043G>T on transcript NM_001009944.3 (MANE Select); coding-DNA position 11043, G replaced by T.
Protein change: p.Leu3681=; no amino-acid change (leucine 3681 retained).
Molecular consequence: synonymous variant.
Genome position (GRCh38, 1-based): chr16:2,093,067, C>A on the plus strand (G>T on the coding strand, the complement: PKD1 is on the minus strand). VCF-style: chr16-2093067-C-A. GRCh37 (hg19) VCF-style: chr16-2143068-C-A.
Other names: c.11040G>T, p.Leu3680= (NM_000296.4).
Identifiers: ClinVar variation 3907673 (VCV003907673.1).